The following is an entry in ClinVar:

ClinVar aggregate classification (germline): Uncertain significance. Review status: criteria provided, multiple submitters, no conflicts (2 of 4 stars). 6 submissions from 6 submitters: Uncertain significance (6). Last evaluated 2025-12-20.

Conditions:
Hereditary cancer-predisposing syndrome. Also called: Tumor predisposition; Hereditary Cancer Syndrome; Neoplastic Syndromes, Hereditary; Hereditary neoplastic syndrome. Identifiers: Orphanet 140162, MedGen C0027672, MeSH D009386, MONDO:0015356.
Familial adenomatous polyposis 1 (FAP1). Also called: POLYPOSIS, ADENOMATOUS INTESTINAL; FAMILIAL ADENOMATOUS POLYPOSIS 1, ATTENUATED. Identifiers: MedGen C2713442, MONDO:0021056, OMIM 175100. Disease mechanism: loss of function.
Classic or attenuated familial adenomatous polyposis. Identifiers: MedGen CN372698, MONDO:0021057.

Allele frequency attached by ClinVar (database versions not stated): gnomAD exomes below 0.00001.
gnomAD v4.1: 6 of 1,613,974 alleles (0.00037%); highest among the groups gnomAD compares: Middle Eastern, 0.016%; no homozygotes.

Submissions (6):

Labcorp Genetics (formerly Invitae), Labcorp
Classification: Uncertain significance for Familial adenomatous polyposis 1. Last evaluated: 2025-12-20. Review status: criteria provided, single submitter. Criteria: Invitae Variant Classification Sherloc (09022015). Collection method: clinical testing. Allele origin: germline.
Comment: This sequence change replaces serine, which is neutral and polar, with asparagine, which is neutral and polar, at codon 2425 of the APC protein (p.Ser2425Asn). This variant is not present in population databases (gnomAD no frequency). This variant has not been reported in the literature in individuals affected with APC-related conditions. ClinVar contains an entry for this variant (Variation ID: 485089). Invitae Evidence Modeling of protein sequence and biophysical properties (such as structural, functional, and spatial information, amino acid conservation, physicochemical variation, residue mobility, and thermodynamic stability) indicates that this missense variant is not expected to disrupt APC protein function with a negative predictive value of 95%. In summary, the available evidence is currently insufficient to determine the role of this variant in disease. Therefore, it has been classified as a Variant of Uncertain Significance.

Color Diagnostics, LLC DBA Color Health
Classification: Uncertain significance for Hereditary cancer-predisposing syndrome. Last evaluated: 2025-03-11. Review status: criteria provided, single submitter. Criteria: ACMG Guidelines, 2015. Collection method: clinical testing. Allele origin: germline.
Comment: This missense variant replaces serine with asparagine at codon 2425 of the APC protein. Computational prediction suggests that this variant may not impact protein structure and function. To our knowledge, functional studies have not been reported for this variant. This variant has not been reported in individuals affected with APC-related disorders in the literature. This variant has not been identified in the general population by the Genome Aggregation Database (gnomAD). The available evidence is insufficient to determine the role of this variant in disease conclusively. Therefore, this variant is classified as a Variant of Uncertain Significance.

All of Us Research Program, National Institutes of Health
Classification: Uncertain significance for Classic or attenuated familial adenomatous polyposis. Last evaluated: 2024-05-09. Review status: criteria provided, single submitter. Criteria: ACMG Guidelines, 2015. Collection method: clinical testing. Allele origin: germline. Inheritance: Autosomal dominant inheritance. Observed: 4 variant alleles, 4 heterozygotes.
Comment: This missense variant replaces serine with asparagine at codon 2425 of the APC protein. Computational prediction suggests that this variant may not impact protein structure and function (internally defined REVEL score threshold <= 0.5, PMID: 27666373). To our knowledge, functional studies have not been reported for this variant. This variant has not been reported in individuals affected with APC-related disorders in the literature. This variant has not been identified in the general population by the Genome Aggregation Database (gnomAD). The available evidence is insufficient to determine the role of this variant in disease conclusively. Therefore, this variant is classified as a Variant of Uncertain Significance.

This study involves interpretation of variants in research participants for the purpose of population health screening. Participant phenotype was not available at the time of variant classification. Additional details can be found in publication PMID: 35346344, PMCID: PMC8962531

Ambry Genetics
Classification: Uncertain significance for Hereditary cancer-predisposing syndrome. Last evaluated: 2024-02-15. Review status: criteria provided, single submitter. Criteria: Ambry Variant Classification Scheme 2023. Collection method: clinical testing. Allele origin: germline.
Comment: The p.S2425N variant (also known as c.7274G>A), located in coding exon 15 of the APC gene, results from a G to A substitution at nucleotide position 7274. The serine at codon 2425 is replaced by asparagine, an amino acid with highly similar properties. This amino acid position is highly conserved in available vertebrate species. In addition, in silico predictors for this gene do not accurately predict pathogenicity. Based on the available evidence, the clinical significance of this alteration remains unclear.

Blueprint Genetics
Classification: Uncertain significance. Last evaluated: 2022-05-11. Review status: criteria provided, single submitter. Criteria: ACMG Guidelines, 2015. Collection method: clinical testing. Allele origin: germline.

Quest Diagnostics Nichols Institute San Juan Capistrano
Classification: Uncertain significance. Last evaluated: 2020-08-02. Review status: criteria provided, single submitter. Criteria: Quest Diagnostics criteria. Collection method: clinical testing. Allele origin: unknown.

NM_000038.6(APC):c.7274G>A (p.Ser2425Asn)

Gene: APC (APC regulator of Wnt signaling pathway; plus strand). Cytogenetic location: 5q22.2.
Variant type: single nucleotide variant.
Coding change: c.7274G>A on transcript NM_000038.6 (MANE Select); coding-DNA position 7274, G replaced by A.
Protein change: p.Ser2425Asn; replaces serine 2425 with asparagine.
Molecular consequence: missense variant.
Genome position (GRCh38, 1-based): chr5:112,842,868, G>A. VCF-style: chr5-112842868-G-A. GRCh37 (hg19) VCF-style: chr5-112178565-G-A.
Other names: c.7274G>A, p.Ser2425Asn (NM_001127510.3, NM_001354895.2); c.7220G>A, p.Ser2407Asn (NM_001127511.3); c.7328G>A, p.Ser2443Asn (NM_001354896.2); c.7304G>A, p.Ser2435Asn (NM_001354897.2); c.7199G>A, p.Ser2400Asn (NM_001354898.2); c.7190G>A, p.Ser2397Asn (NM_001354899.2); c.7151G>A, p.Ser2384Asn (NM_001354900.2); c.7097G>A, p.Ser2366Asn (NM_001354901.2); and 5 more; short protein forms S2425N, S2407N, S2142N, S2265N, S2299N, S2397N, S2435N, S2334N.
Identifiers: ClinVar variation 485089 (VCV000485089.23), dbSNP rs1554088214, ClinGen allele CA16037169.
Genomic context (GRCh38, chr5:112,842,868, plus strand): 5'-ATAATGGTAATGGAGCCAATAAAAAGGTAGAACTTTCTAGAATGTCTTCAACTAAATCAA[G>A]TGGAAGTGAATCTGATAGATCAGAAAGACCTGTATTAGTACGCCAGTCAACTTTCATCAA-3'
Protein context (NP_000029.2, residues 2415-2435): ELSRMSSTKS[Ser2425Asn]GSESDRSERP